The following is an entry in ClinVar:

NM_000939.4(POMC):c.254A>G (p.Asp85Gly)

Gene: POMC (proopiomelanocortin; minus strand). Cytogenetic location: 2p23.3.
Variant type: single nucleotide variant.
Coding change: c.254A>G on transcript NM_000939.4 (MANE Select); coding-DNA position 254, A replaced by G.
Protein change: p.Asp85Gly; replaces aspartic acid 85 with glycine.
Molecular consequence: missense variant.
Genome position (GRCh38, 1-based): chr2:25,161,631, T>C on the plus strand (A>G on the coding strand, the complement: POMC is on the minus strand). VCF-style: chr2-25161631-T-C. GRCh37 (hg19) VCF-style: chr2-25384500-T-C.
Other names: c.254A>G, p.Asp85Gly (NM_001035256.3, NM_001319204.2, NM_001319205.2); c.254A>G (NM_000939.3); short protein forms D85G.
Identifiers: ClinVar variation 3422985 (VCV003422985.2).

ClinVar aggregate classification (germline): Uncertain significance. Review status: criteria provided, multiple submitters, no conflicts (2 of 4 stars). 2 submissions from 2 submitters: Uncertain significance (2). Last evaluated 2026-09-15.

Conditions:
POMC-related disorder. Also called: POMC-related disorders; POMC-related condition.
Inborn genetic diseases. Identifiers: MedGen C0950123, MeSH D030342.

gnomAD v4.1: 2 of 1,552,244 alleles (0.00013%); highest among the groups gnomAD compares: South Asian, 0.0012%; no homozygotes.

Submissions (2):

PreventionGenetics, part of Exact Sciences
Classification: Uncertain significance for POMC-related condition. Last evaluated: 2026-09-15. Review status: criteria provided, single submitter. Criteria: ACMG Guidelines, 2015. Collection method: clinical testing. Allele origin: germline.
Comment: The POMC c.254A>G variant is predicted to result in the amino acid substitution p.Asp85Gly. To our knowledge, this variant has not been reported in the literature or in a large population database (gnomAD), indicating this variant is rare. At this time, the clinical significance of this variant is uncertain due to the absence of conclusive functional and genetic evidence.

Ambry Genetics
Classification: Uncertain significance for Inborn genetic diseases. Last evaluated: 2024-11-09. Review status: criteria provided, single submitter. Criteria: Ambry Variant Classification Scheme 2023. Collection method: clinical testing. Allele origin: germline.